The following is an entry in ClinVar:

ClinVar aggregate classification (germline): Uncertain significance. Review status: criteria provided, multiple submitters, no conflicts (2 of 4 stars). 2 submissions from 2 submitters: Uncertain significance (2). Last evaluated 2025-07-09.

Conditions:
Polycystic kidney disease, adult type (PKD1). Also called: Polycystic Kidney Disease 1, Autosomal Dominant; Polycystic kidney disease 1; Polycystic kidney disease 1, severe; POLYCYSTIC KIDNEY DISEASE 1 WITH OR WITHOUT POLYCYSTIC LIVER DISEASE; POLYCYSTIC KIDNEY DISEASE, ADULT, TYPE I; Polycystic Kidney, Autosomal Dominant. Identifiers: MedGen C3149841, MONDO:0008263, OMIM 173900.

gnomAD v4.1: 9 of 1,583,928 alleles (0.00057%); highest among the groups gnomAD compares: Middle Eastern, 0.016%; no homozygotes.

Submissions (2):

GeneDx
Classification: Uncertain significance. Last evaluated: 2025-07-09. Review status: criteria provided, single submitter. Criteria: GeneDx Variant Classification Process June 2021. Collection method: clinical testing. Allele origin: germline. Affected: yes.
Comment: Not observed at significant frequency in large population cohorts (gnomAD); In silico analysis suggests that this missense variant does not alter protein structure/function; Has not been previously published as pathogenic or benign to our knowledge

Fulgent Genetics
Classification: Uncertain significance for Polycystic kidney disease, adult type. Last evaluated: 2024-05-23. Review status: criteria provided, single submitter. Criteria: ACMG Guidelines, 2015. Collection method: clinical testing. Allele origin: germline.

NM_001009944.3(PKD1):c.10708G>A (p.Val3570Met)

Genes: PKD1 (polycystin 1, transient receptor potential channel interacting; minus strand), PKD1-AS1 (PKD1 antisense RNA 1; plus strand). Cytogenetic location: 16p13.3.
Variant type: single nucleotide variant.
Coding change: c.10708G>A on transcript NM_001009944.3 (MANE Select); coding-DNA position 10708, G replaced by A.
Protein change: p.Val3570Met; replaces valine 3570 with methionine.
Molecular consequence: missense variant.
Genome position (GRCh38, 1-based): chr16:2,093,924, C>T on the plus strand (G>A on the coding strand, the complement: PKD1 is on the minus strand). VCF-style: chr16-2093924-C-T. GRCh37 (hg19) VCF-style: chr16-2143925-C-T.
Other names: c.10705G>A, p.Val3569Met (NM_000296.4); short protein forms V3569M, V3570M.
Identifiers: ClinVar variation 3578999 (VCV003578999.2).